The following is an entry in ClinVar:

NM_000562.3(C8A):c.655-2A>G

Gene: C8A (complement C8 alpha chain; plus strand). Cytogenetic location: 1p32.2.
Variant type: single nucleotide variant.
Coding change: c.655-2A>G on transcript NM_000562.3 (MANE Select); the canonical splice acceptor site of the intron before coding-DNA position 655, A replaced by G.
Molecular consequence: splice acceptor variant.
Genome position (GRCh38, 1-based): chr1:56,883,479, A>G. VCF-style: chr1-56883479-A-G. GRCh37 (hg19) VCF-style: chr1-57349152-A-G.
Identifiers: ClinVar variation 1388499 (VCV001388499.8), dbSNP rs760091174, ClinGen allele CA875133.

ClinVar aggregate classification (germline): Likely pathogenic (1 of 4 stars; one submission).

Allele frequency attached by ClinVar (database versions not stated): gnomAD exomes below 0.00001; ExAC 0.00001.
gnomAD v4.1: 1 of 1,602,856 alleles (0.000062%); highest among the groups gnomAD compares: Non-Finnish European, 0.000085%; no homozygotes.

Submission:

Labcorp Genetics (formerly Invitae), Labcorp
Classification: Likely pathogenic. Last evaluated: 2022-08-16. Review status: criteria provided, single submitter. Criteria: Invitae Variant Classification Sherloc (09022015). Collection method: clinical testing. Allele origin: germline.
Comment: In summary, the currently available evidence indicates that the variant is pathogenic, but additional data are needed to prove that conclusively. Therefore, this variant has been classified as Likely Pathogenic. Algorithms developed to predict the effect of sequence changes on RNA splicing suggest that this variant may disrupt the consensus splice site. ClinVar contains an entry for this variant (Variation ID: 1388499). This variant has not been reported in the literature in individuals affected with C8A-related conditions. This variant is present in population databases (rs760091174, gnomAD 0.006%). This sequence change affects an acceptor splice site in intron 5 of the C8A gene. It is expected to disrupt RNA splicing. Variants that disrupt the donor or acceptor splice site typically lead to a loss of protein function (PMID: 16199547), and loss-of-function variants in C8A are known to be pathogenic (PMID: 9759902).

Literature cited by the submitters: PubMed 16199547; PubMed 9759902.